The following is an entry in ClinVar:

NM_001458.5(FLNC):c.7657C>T (p.Arg2553Trp)

Genes: FLNC (filamin C; plus strand), FLNC-AS1 (FLNC antisense RNA 1; minus strand). Cytogenetic location: 7q32.1.
Variant type: single nucleotide variant.
Coding change: c.7657C>T on transcript NM_001458.5 (MANE Select); coding-DNA position 7657, C replaced by T.
Protein change: p.Arg2553Trp; replaces arginine 2553 with tryptophan.
Molecular consequence: missense variant.
Genome position (GRCh38, 1-based): chr7:128,857,213, C>T. VCF-style: chr7-128857213-C-T. GRCh37 (hg19) VCF-style: chr7-128497267-C-T.
Other names: c.7558C>T, p.Arg2520Trp (NM_001127487.2); short protein forms R2553W, R2520W.
Identifiers: ClinVar variation 577268 (VCV000577268.17), dbSNP rs199519281, ClinGen allele CA4476333.

ClinVar aggregate classification (germline): Conflicting classifications of pathogenicity. Review status: criteria provided, conflicting classifications (1 of 4 stars). 7 submissions from 7 submitters: Uncertain significance (6); Likely benign (1). Last evaluated 2026-01-25.

Conditions:
Myofibrillar myopathy 5. Also called: Filaminopathy (type); FILAMINOPATHY, AUTOSOMAL DOMINANT. Identifiers: Orphanet 171445, MedGen C1836050, MONDO:0012289, OMIM 609524.
Hypertrophic cardiomyopathy 26. Also called: Cardiomyopathy, familial hypertrophic, 26. Identifiers: Orphanet 75249, MedGen C4310749, MONDO:0014883, OMIM 617047.
Distal myopathy with posterior leg and anterior hand involvement. Also called: WILLIAMS DISTAL MYOPATHY. Identifiers: Orphanet 63273, MedGen C3279722, MONDO:0013550, OMIM 614065.
Cardiovascular phenotype. Identifiers: MedGen CN230736.

Allele frequency attached by ClinVar (database versions not stated): gnomAD 0.00001 and 0.00002; gnomAD exomes 0.00007 and 0.00008; 1000 Genomes Project 30x 0.00047; ExAC 0.00092.
gnomAD v4.1: 110 of 1,610,372 alleles (0.0068%); highest among the groups gnomAD compares: Middle Eastern, 0.016%; no homozygotes.

Submissions (7):

Labcorp Genetics (formerly Invitae), Labcorp
Classification: Uncertain significance for Distal myopathy with posterior leg and anterior hand involvement; Myofibrillar myopathy 5; Hypertrophic cardiomyopathy 26. Last evaluated: 2026-01-25. Review status: criteria provided, single submitter. Criteria: Invitae Variant Classification Sherloc (09022015). Collection method: clinical testing. Allele origin: germline.
Comment: This sequence change replaces arginine, which is basic and polar, with tryptophan, which is neutral and slightly polar, at codon 2553 of the FLNC protein (p.Arg2553Trp). The frequency data for this variant in the population databases is considered unreliable, as metrics indicate poor data quality at this position in the gnomAD database. This variant has not been reported in the literature in individuals affected with FLNC-related conditions. ClinVar contains an entry for this variant (Variation ID: 577268). Invitae Evidence Modeling of protein sequence and biophysical properties (such as structural, functional, and spatial information, amino acid conservation, physicochemical variation, residue mobility, and thermodynamic stability) indicates that this missense variant is not expected to disrupt FLNC protein function with a negative predictive value of 95%. In summary, the available evidence is currently insufficient to determine the role of this variant in disease. Therefore, it has been classified as a Variant of Uncertain Significance.

Molecular Diagnostic Laboratory for Inherited Cardiovascular Disease, Montreal Heart Institute
Classification: Uncertain significance for Cardiovascular phenotype. Last evaluated: 2025-04-09. Review status: criteria provided, single submitter. Criteria: ACMG Guidelines, 2015. Collection method: clinical testing. Allele origin: germline. Affected: yes.
Comment: BP4

Blueprint Genetics
Classification: Likely benign. Last evaluated: 2024-11-27. Review status: criteria provided, single submitter. Criteria: ACMG Guidelines, 2015. Collection method: clinical testing. Allele origin: germline.

Ambry Genetics
Classification: Uncertain significance for Cardiovascular phenotype. Last evaluated: 2023-03-16. Review status: criteria provided, single submitter. Criteria: Ambry Variant Classification Scheme 2023. Collection method: clinical testing. Allele origin: germline.
Comment: The p.R2553W variant (also known as c.7657C>T), located in coding exon 46 of the FLNC gene, results from a C to T substitution at nucleotide position 7657. The arginine at codon 2553 is replaced by tryptophan, an amino acid with dissimilar properties. This amino acid position is not well conserved in available vertebrate species. In addition, the in silico prediction for this alteration is inconclusive. Since supporting evidence is limited at this time, the clinical significance of this alteration remains unclear.

Fulgent Genetics
Classification: Uncertain significance for Myofibrillar myopathy 5; Distal myopathy with posterior leg and anterior hand involvement; Hypertrophic cardiomyopathy 26. Last evaluated: 2022-02-01. Review status: criteria provided, single submitter. Criteria: ACMG Guidelines, 2015. Collection method: clinical testing. Allele origin: unknown.

Revvity Omics, Revvity
Classification: Uncertain significance. Last evaluated: 2020-10-29. Review status: criteria provided, single submitter. Criteria: ACMG Guidelines, 2015. Collection method: clinical testing. Allele origin: germline.

GeneDx
Classification: Uncertain significance. Last evaluated: 2020-03-16. Review status: criteria provided, single submitter. Criteria: GeneDx Variant Classification Process June 2021. Collection method: clinical testing. Allele origin: germline. Affected: yes.
Comment: Has not been previously published as pathogenic or benign to our knowledge; Reported in ClinVar as a variant of uncertain significance (ClinVar Variant ID#577268; Landrum et al., 2016); In silico analysis supports that this missense variant has a deleterious effect on protein structure/function